The following is an entry in ClinVar:

NM_000814.6(GABRB3):c.1117G>A (p.Glu373Lys)

Gene: GABRB3 (gamma-aminobutyric acid type A receptor subunit beta3; minus strand). Cytogenetic location: 15q12.
Variant type: single nucleotide variant.
Coding change: c.1117G>A on transcript NM_000814.6 (MANE Select); coding-DNA position 1117, G replaced by A.
Protein change: p.Glu373Lys; replaces glutamic acid 373 with lysine.
Molecular consequence: missense variant.
Genome position (GRCh38, 1-based): chr15:26,548,098, C>T on the plus strand (G>A on the coding strand, the complement: GABRB3 is on the minus strand). VCF-style: chr15-26548098-C-T. GRCh37 (hg19) VCF-style: chr15-26793245-C-T.
Other names: c.862G>A, p.Glu288Lys (NM_001191320.2, NM_001278631.2); c.904G>A, p.Glu302Lys (NM_001191321.3); c.1117G>A, p.Glu373Lys (NM_021912.5); short protein forms E288K, E302K, E373K.
Identifiers: ClinVar variation 2151528 (VCV002151528.4), dbSNP rs1316976738, ClinGen allele CA391459391.

ClinVar aggregate classification (germline): Uncertain significance (1 of 4 stars; one submission).

Conditions:
Epilepsy, childhood absence, susceptibility to, 1. Also called: Epilepsy, childhood absence 1. Identifiers: Orphanet 64280, MedGen C1838604, MONDO:0020759, OMIM 600131.
Epilepsy, childhood absence, susceptibility to, 5. Identifiers: Orphanet 64280, MedGen C2677087, MONDO:0012843, OMIM 612269.

Allele frequency attached by ClinVar (database versions not stated): gnomAD 0.00001; gnomAD exomes 0.00002.
gnomAD v4.1: 35 of 1,614,074 alleles (0.0022%); highest among the groups gnomAD compares: Non-Finnish European, 0.0029%; no homozygotes.

Submission:

Labcorp Genetics (formerly Invitae), Labcorp
Classification: Uncertain significance for Epilepsy, childhood absence, susceptibility to, 5; Epilepsy, childhood absence, susceptibility to, 1. Last evaluated: 2025-02-02. Review status: criteria provided, single submitter. Criteria: Invitae Variant Classification Sherloc (09022015). Collection method: clinical testing. Allele origin: germline.
Comment: This sequence change replaces glutamic acid, which is acidic and polar, with lysine, which is basic and polar, at codon 373 of the GABRB3 protein (p.Glu373Lys). This variant is present in population databases (no rsID available, gnomAD 0.0009%). This variant has not been reported in the literature in individuals affected with GABRB3-related conditions. ClinVar contains an entry for this variant (Variation ID: 2151528). Invitae Evidence Modeling of protein sequence and biophysical properties (such as structural, functional, and spatial information, amino acid conservation, physicochemical variation, residue mobility, and thermodynamic stability) indicates that this missense variant is not expected to disrupt GABRB3 protein function with a negative predictive value of 95%. In summary, the available evidence is currently insufficient to determine the role of this variant in disease. Therefore, it has been classified as a Variant of Uncertain Significance.